The following is an entry in ClinVar:

NM_177972.3(TUB):c.592G>A (p.Glu198Lys)

Genes: RIC3 (RIC3 acetylcholine receptor chaperone; minus strand), TUB (TUB bipartite transcription factor; plus strand). Cytogenetic location: 11p15.4.
Variant type: single nucleotide variant.
Coding change: c.592G>A on transcript NM_177972.3 (MANE Select); coding-DNA position 592, G replaced by A.
Protein change: p.Glu198Lys; replaces glutamic acid 198 with lysine.
Molecular consequence: missense variant.
Genome position (GRCh38, 1-based): chr11:8,096,711, G>A. VCF-style: chr11-8096711-G-A. GRCh37 (hg19) VCF-style: chr11-8118258-G-A.
Other names: c.757G>A (NM_003320.4); c.757G>A, p.Glu253Lys (NM_003320.5); short protein forms E198K, E253K.
Identifiers: ClinVar variation 1938754 (VCV001938754.6), dbSNP rs143828440, ClinGen allele CA5871159.

ClinVar aggregate classification (germline): Uncertain significance. Review status: criteria provided, multiple submitters, no conflicts (2 of 4 stars). 4 submissions from 4 submitters: Uncertain significance (4). Last evaluated 2025-11-24.

Conditions:
TUB-related disorder. Also called: TUB-related condition.

Allele frequency attached by ClinVar (database versions not stated): ExAC 0.00002; TOPMed 0.00005; gnomAD 0.00007; ESP Exome Variant Server 0.00023.
gnomAD v4.1: 24 of 1,612,702 alleles (0.0015%); highest among the groups gnomAD compares: African/African-American, 0.02%; no homozygotes.

Submissions (4):

PreventionGenetics, part of Exact Sciences
Classification: Uncertain significance for TUB-related condition. Last evaluated: 2025-11-24. Review status: criteria provided, single submitter. Criteria: ACMG Guidelines, 2015. Collection method: clinical testing. Allele origin: germline.
Comment: The TUB c.757G>A variant is predicted to result in the amino acid substitution p.Glu253Lys. To our knowledge, this variant has not been reported in the literature. This variant is reported in 0.024% of alleles in individuals of African descent in gnomAD. At this time, the clinical significance of this variant is uncertain due to the absence of conclusive functional and genetic evidence.

Ambry Genetics
Classification: Uncertain significance. Last evaluated: 2024-05-23. Review status: criteria provided, single submitter. Criteria: Ambry Variant Classification Scheme 2023. Collection method: clinical testing. Allele origin: germline.

Labcorp Genetics (formerly Invitae), Labcorp
Classification: Uncertain significance. Last evaluated: 2024-05-06. Review status: criteria provided, single submitter. Criteria: Invitae Variant Classification Sherloc (09022015). Collection method: clinical testing. Allele origin: germline.
Comment: This sequence change replaces glutamic acid, which is acidic and polar, with lysine, which is basic and polar, at codon 253 of the TUB protein (p.Glu253Lys). This variant is present in population databases (rs143828440, gnomAD 0.02%). This variant has not been reported in the literature in individuals affected with TUB-related conditions. ClinVar contains an entry for this variant (Variation ID: 1938754). An algorithm developed to predict the effect of missense changes on protein structure and function (PolyPhen-2) suggests that this variant is likely to be disruptive. In summary, the available evidence is currently insufficient to determine the role of this variant in disease. Therefore, it has been classified as a Variant of Uncertain Significance.

Blueprint Genetics
Classification: Uncertain significance. Last evaluated: 2023-02-01. Review status: criteria provided, single submitter. Criteria: ACMG Guidelines, 2015. Collection method: clinical testing. Allele origin: germline.